The following is an entry in ClinVar:

NM_024675.4(PALB2):c.2680G>C (p.Val894Leu)

Gene: PALB2 (partner and localizer of BRCA2; minus strand). Cytogenetic location: 16p12.2.
Variant type: single nucleotide variant.
Coding change: c.2680G>C on transcript NM_024675.4 (MANE Select); coding-DNA position 2680, G replaced by C.
Protein change: p.Val894Leu; replaces valine 894 with leucine.
Molecular consequence: missense variant. On other transcripts: intron variant (3).
Genome position (GRCh38, 1-based): chr16:23,626,304, C>G on the plus strand (G>C on the coding strand, the complement: PALB2 is on the minus strand). VCF-style: chr16-23626304-C-G. GRCh37 (hg19) VCF-style: chr16-23637625-C-G.
Other names: c.2620G>C, p.Val874Leu (NM_001407296.1); c.2608G>C, p.Val870Leu (NM_001407297.1); c.2680G>C, p.Val894Leu (NM_001407299.1, NM_001407300.1, NM_001407301.1); c.1795G>C, p.Val599Leu (NM_001407304.1, NM_001407305.1, NM_001407306.1 and 4 more transcripts); c.892G>C, p.Val298Leu (NM_001407312.1, NM_001407313.1); c.214G>C, p.Val72Leu (NM_001407314.1); c.2587-2210G>C (NM_001407302.1, NM_001407298.1); c.1702-2210G>C (NM_001407307.1); short protein forms V599L, V870L, V72L, V874L, V298L, V894L.
Identifiers: ClinVar variation 2567578 (VCV002567578.2), dbSNP rs1483164486, ClinGen allele CA395122011.

ClinVar aggregate classification (germline): Uncertain significance (1 of 4 stars; one submission).

Conditions:
Hereditary cancer-predisposing syndrome. Also called: Hereditary neoplastic syndrome; Hereditary Cancer Syndrome; Neoplastic Syndromes, Hereditary; Tumor predisposition. Identifiers: Orphanet 140162, MedGen C0027672, MeSH D009386, MONDO:0015356.

Submission:

Ambry Genetics
Classification: Uncertain significance for Hereditary cancer-predisposing syndrome. Last evaluated: 2023-04-25. Review status: criteria provided, single submitter. Criteria: Ambry Variant Classification Scheme 2023. Collection method: clinical testing. Allele origin: germline.
Comment: The p.V894L variant (also known as c.2680G>C), located in coding exon 7 of the PALB2 gene, results from a G to C substitution at nucleotide position 2680. The valine at codon 894 is replaced by leucine, an amino acid with highly similar properties. This amino acid position is conserved. In addition, this alteration is predicted to be tolerated by in silico analysis. Since supporting evidence is limited at this time, the clinical significance of this alteration remains unclear.